The following is an entry in ClinVar:

NM_000236.3(LIPC):c.731A>G (p.Tyr244Cys)

Gene: LIPC (lipase C, hepatic type; plus strand). Cytogenetic location: 15q21.3.
Variant type: single nucleotide variant.
Coding change: c.731A>G on transcript NM_000236.3 (MANE Select); coding-DNA position 731, A replaced by G.
Protein change: p.Tyr244Cys; replaces tyrosine 244 with cysteine.
Molecular consequence: missense variant.
Genome position (GRCh38, 1-based): chr15:58,545,898, A>G. VCF-style: chr15-58545898-A-G. GRCh37 (hg19) VCF-style: chr15-58838097-A-G.
Other names: short protein forms Y244C.
Identifiers: ClinVar variation 1308507 (VCV001308507.2), dbSNP rs756693135, ClinGen allele CA7584969.

ClinVar aggregate classification (germline): Uncertain significance (1 of 4 stars; one submission).

Allele frequency attached by ClinVar (database versions not stated): TOPMed below 0.00001; ExAC 0.00001; gnomAD 0.00001; gnomAD exomes 0.00001.
gnomAD v4.1: 14 of 1,614,056 alleles (0.00087%); highest among the groups gnomAD compares: Non-Finnish European, 0.0012%; no homozygotes.

Submission:

GeneDx
Classification: Uncertain significance. Last evaluated: 2019-03-29. Review status: criteria provided, single submitter. Criteria: GeneDx Variant Classification Process June 2021. Collection method: clinical testing. Allele origin: germline. Affected: yes.
Comment: Not observed at a significant frequency in large population cohorts (Lek et al., 2016); In silico analysis, which includes protein predictors and evolutionary conservation, supports a deleterious effect; Has not been previously published as pathogenic or benign to our knowledge